The following is an entry in ClinVar:

NM_000059.4(BRCA2):c.1427C>G (p.Ser476Cys)

Gene: BRCA2 (BRCA2 DNA repair associated; plus strand). Cytogenetic location: 13q13.1.
Variant type: single nucleotide variant.
Coding change: c.1427C>G on transcript NM_000059.4 (MANE Select); coding-DNA position 1427, C replaced by G.
Protein change: p.Ser476Cys; replaces serine 476 with cysteine.
Molecular consequence: missense variant.
Genome position (GRCh38, 1-based): chr13:32,332,905, C>G. VCF-style: chr13-32332905-C-G. GRCh37 (hg19) VCF-style: chr13-32907042-C-G.
Other names: p.S476C:TCT>TGT; 1655C>G; short protein forms S476C.
Identifiers: ClinVar variation 37739 (VCV000037739.36), dbSNP rs80358431, ClinGen allele CA012011.

ClinVar aggregate classification (germline): Conflicting classifications of pathogenicity. Review status: criteria provided, conflicting classifications (1 of 4 stars). 15 submissions from 15 submitters: Uncertain significance (8); Likely benign (4). 3 of the submissions do not count toward it. Last evaluated 2025-12-26.

Conditions:
Pancreatic cancer, susceptibility to, 2. Identifiers: Orphanet 1333, MedGen C3150546, MONDO:0013235, OMIM 613347.
Glioma susceptibility 3 (GLM3). Also called: Glioblastoma 3. Identifiers: Orphanet 182067, Orphanet 360, MedGen C2751641, MONDO:0013093, OMIM 613029.
Familial prostate cancer. Also called: Hereditary Prostate Cancer. Identifiers: MedGen C2931456, MONDO:0700275, OMIM 176807.
Breast-ovarian cancer, familial, susceptibility to, 2 (BROVCA2). Also called: BRCA2 Hereditary Breast and Ovarian Cancer. Identifiers: Orphanet 145, MedGen C2675520, MONDO:0012933, OMIM 612555. Disease mechanism: loss of function.
Fanconi anemia complementation group D1. Also called: BRCA2-Related Fanconi Anemia. Identifiers: Orphanet 319462, MedGen C1838457, MONDO:0011584, OMIM 605724.
Medulloblastoma (MDB). Also called: Medulloblastoma, somatic; MEDULLOBLASTOMA PREDISPOSITION SYNDROME. Identifiers: Orphanet 616, MedGen C0025149, MeSH D008527, MONDO:0007959, OMIM 155255, HP:0002885.
Wilms tumor 1 (WT1). Also called: Wilms tumor, somatic. Identifiers: Orphanet 654, MedGen CN033288, MONDO:0008679, OMIM 194070.
Familial cancer of breast. Also called: BREAST CANCER, FAMILIAL; hereditary breast carcinoma; Hereditary breast cancer. Identifiers: Orphanet 227535, MedGen C0346153, MONDO:0016419, OMIM 114480. Disease mechanism: loss of function.
Hereditary cancer-predisposing syndrome. Also called: Neoplastic Syndromes, Hereditary; Tumor predisposition; Hereditary Cancer Syndrome; Hereditary neoplastic syndrome. Identifiers: Orphanet 140162, MedGen C0027672, MeSH D009386, MONDO:0015356.
Hereditary breast ovarian cancer syndrome. Also called: Breast and ovarian cancer; Hereditary breast and ovarian cancer; Hereditary breast and ovarian cancer syndrome (HBOC); Hereditary breast and ovarian cancer syndrome; BRCA1- and BRCA2-Associated Hereditary Breast and Ovarian Cancer; Hereditary breast and/or ovarian cancer syndrome. Identifiers: Orphanet 145, MedGen C0677776, MeSH D061325, MONDO:0003582. Disease mechanism: loss of function.

Allele frequency attached by ClinVar (database versions not stated): gnomAD exomes below 0.00001 and 0.00005; gnomAD 0.00001; TOPMed 0.00001.
gnomAD v4.1: 74 of 1,609,856 alleles (0.0046%); highest among the groups gnomAD compares: Non-Finnish European, 0.0063%; no homozygotes.

Submissions (15):

Labcorp Genetics (formerly Invitae), Labcorp
Classification: Uncertain significance for Hereditary breast ovarian cancer syndrome. Last evaluated: 2025-12-26. Review status: criteria provided, single submitter. Criteria: Invitae Variant Classification Sherloc (09022015). Collection method: clinical testing. Allele origin: germline.
Comment: This sequence change replaces serine, which is neutral and polar, with cysteine, which is neutral and slightly polar, at codon 476 of the BRCA2 protein (p.Ser476Cys). This variant is present in population databases (rs80358431, gnomAD 0.002%). This missense change has been observed in individual(s) with acute myeloid leukemia (PMID: 10923033, 26689913). ClinVar contains an entry for this variant (Variation ID: 37739). Invitae Evidence Modeling of protein sequence and biophysical properties (such as structural, functional, and spatial information, amino acid conservation, physicochemical variation, residue mobility, and thermodynamic stability) indicates that this missense variant is not expected to disrupt BRCA2 protein function with a negative predictive value of 95%. In summary, the available evidence is currently insufficient to determine the role of this variant in disease. Therefore, it has been classified as a Variant of Uncertain Significance.

Women's Health and Genetics/Laboratory Corporation of America, LabCorp
Classification: Uncertain significance. Last evaluated: 2025-08-29. Review status: criteria provided, single submitter. Criteria: LabCorp Variant Classification Summary - May 2015. Collection method: clinical testing. Allele origin: germline.
Comment: Variant summary: BRCA2 c.1427C>G (p.Ser476Cys) results in a non-conservative amino acid change in the encoded protein sequence. Algorithms developed to predict the effect of missense changes on protein structure and function are either unavailable or do not agree on the potential impact of this missense change. The variant allele was found at a frequency of 4.1e-06 in 246602 control chromosomes (gnomAD). The available data on variant occurrences in the general population are insufficient to allow any conclusion about variant significance. c.1427C>G has been observed in individuals affected with breast cancer as well as unaffected controls (Dorling_2021). This report does not provide unequivocal conclusions about association of the variant with Hereditary Breast And Ovarian Cancer Syndrome. To our knowledge, no experimental evidence demonstrating an impact on protein function has been reported. The following publication has been ascertained in the context of this evaluation (PMID: 33471991). ClinVar contains an entry for this variant (Variation ID: 37739). Based on the evidence outlined above, the variant was classified as uncertain significance.

Ambry Genetics
Classification: Uncertain significance for Hereditary cancer-predisposing syndrome. Last evaluated: 2025-06-10. Review status: criteria provided, single submitter. Criteria: Ambry Variant Classification Scheme 2023. Collection method: clinical testing. Allele origin: germline.
Comment: The p.S476C variant (also known as c.1427C>G), located in coding exon 9 of the BRCA2 gene, results from a C to G substitution at nucleotide position 1427. The serine at codon 476 is replaced by cysteine, an amino acid with dissimilar properties. This amino acid position is well conserved in available vertebrate species. In addition, this alteration is predicted to be tolerated by in silico analysis. Based on the available evidence, the clinical significance of this variant remains unclear.

Molecular Pathology, Peter Maccallum Cancer Centre
Classification: Likely benign for Breast-ovarian cancer, familial, susceptibility to, 2. Last evaluated: 2024-11-27. Review status: criteria provided, single submitter. Criteria: ACMG Guidelines, 2015. Collection method: clinical testing. Allele origin: germline. Inheritance: Autosomal dominant inheritance.

GeneDx
Classification: Uncertain significance. Last evaluated: 2024-06-13. Review status: criteria provided, single submitter. Criteria: GeneDx Variant Classification Process June 2021. Collection method: clinical testing. Allele origin: germline. Affected: yes.
Comment: Observed in an individual with acute myeloid leukemia (PMID: 26689913); Not observed at significant frequency in large population cohorts (gnomAD); In silico analysis indicates that this missense variant does not alter protein structure/function; Also known as 1655C>G; This variant is associated with the following publications: (PMID: 29884841, 32377563, 33471991, 31131967, 31853058, 26689913)

Fulgent Genetics
Classification: Uncertain significance for Familial cancer of breast; Medulloblastoma; Familial prostate cancer; Wilms tumor 1; Fanconi anemia complementation group D1; Breast-ovarian cancer, familial, susceptibility to, 2; Glioma susceptibility 3; Pancreatic cancer, susceptibility to, 2. Last evaluated: 2024-05-08. Review status: criteria provided, single submitter. Criteria: ACMG Guidelines, 2015. Collection method: clinical testing. Allele origin: germline.

All of Us Research Program, National Institutes of Health
Classification: Likely benign for Breast-ovarian cancer, familial, susceptibility to, 2. Last evaluated: 2023-12-01. Review status: criteria provided, single submitter. Criteria: ACMG Guidelines, 2015. Collection method: clinical testing. Allele origin: germline. Inheritance: Autosomal dominant inheritance. Observed: 4 variant alleles, 4 heterozygotes.
Comment: This study involves interpretation of variants in research participants for the purpose of population health screening. Participant phenotype was not available at the time of variant classification. Additional details can be found in publication PMID: 35346344, PMCID: PMC8962531

University of Washington Department of Laboratory Medicine, University of Washington
Classification: Likely benign for Hereditary cancer-predisposing syndrome. Last evaluated: 2023-03-23. Review status: criteria provided, single submitter. Criteria: Dines et al. (Genet Med. 2020). Collection method: curation. Allele origin: germline.
Comment: Missense variant in a coldspot region where missense variants are very unlikely to be pathogenic (PMID:31911673).

BRCA2 exon 10 coldspot. Reclassification based on statistical prior probability.

Quest Diagnostics Nichols Institute San Juan Capistrano
Classification: Uncertain significance. Last evaluated: 2022-09-14. Review status: criteria provided, single submitter. Criteria: Quest Diagnostics criteria. Collection method: clinical testing. Allele origin: unknown.
Comment: The frequency of this variant in the general population, 0.0000072 (2/277996 chromosomes), is uninformative in assessment of its pathogenicity. This variant has been reported in an individual with acute myeloid leukemia (PMID: 26689913 (2015)), in individuals with breast cancer and in unaffected controls (PMID: 33471991 (2021)). Analysis of this variant using bioinformatics tools for the prediction of the effect of amino acid changes on protein structure and function yielded conflicting predictions that this variant is benign or damaging. Based on the available information, we are unable to determine the clinical significance of this variant.

Sema4
Classification: Uncertain significance for Hereditary cancer-predisposing syndrome. Last evaluated: 2021-08-25. Review status: criteria provided, single submitter. Criteria: Sema4 Curation Guidelines. Collection method: curation. Allele origin: germline.
Comment: The BRCA2 c.1427C>G (p.S476C) variant has been reported in individuals with breast cancer, acute myeloid leukemia, and in unaffected controls (PMID: 33471991, 26689913). It was observed in 2/127648 chromosomes of the Non-Finnish European subpopulation in the large and broad cohorts of the Genome Aggregation Database (PMID: 32461654). The variant has been reported in ClinVar (Variation ID 37739). Functional studies have not been performed, and in silico predictions of the variant's effect on protein function are inconclusive. The evidence is insufficient to meet ACMG/AMP criteria for classifying the variant as benign or pathogenic. Thus, the clinical significance of this variant is currently uncertain.

Genetic Services Laboratory, University of Chicago
Classification: Uncertain significance. Last evaluated: 2018-03-13. Review status: criteria provided, single submitter. Criteria: ACMG Guidelines, 2015. Collection method: clinical testing. Allele origin: germline. Affected: no.

Color Diagnostics, LLC DBA Color Health
Classification: Likely benign for Hereditary cancer-predisposing syndrome. Last evaluated: 2016-04-21. Review status: criteria provided, single submitter. Criteria: ACMG Guidelines, 2015. Collection method: clinical testing. Allele origin: germline.

Counsyl
Classification: Uncertain significance for Breast-ovarian cancer, familial, susceptibility to, 2. Last evaluated: 2016-03-25. Review status: no assertion criteria provided. Collection method: clinical testing. Allele origin: unknown. Not counted in ClinVar's aggregate classification.

Sharing Clinical Reports Project (SCRP)
Classification: Uncertain significance for Breast-ovarian cancer, familial 2. Last evaluated: 2012-05-01. Review status: no assertion criteria provided. Collection method: clinical testing. Allele origin: germline. Not counted in ClinVar's aggregate classification.

Breast Cancer Information Core (BIC) (BRCA2)
Classification: Uncertain significance for Breast-ovarian cancer, familial 2. Last evaluated: 2001-02-16. Review status: no assertion criteria provided. Collection method: clinical testing. Allele origin: germline. Affected: yes. Observed: 2 variant alleles. Not counted in ClinVar's aggregate classification.

Literature cited by the submitters: PubMed 10923033 (cited by Labcorp Genetics (formerly Invitae), Labcorp); PubMed 26689913 (cited by 4 submitters); PubMed 33471991 (cited by 3 submitters); PubMed 26295337 (cited by Quest Diagnostics Nichols Institute San Juan Capistrano).